The following is an entry in ClinVar:

ClinVar aggregate classification (germline): Uncertain significance (1 of 4 stars; one submission).

gnomAD v4.1: 2 of 1,614,140 alleles (0.00012%); highest among the groups gnomAD compares: South Asian, 0.0011%; no homozygotes.

Submission:

Labcorp Genetics (formerly Invitae), Labcorp
Classification: Uncertain significance. Last evaluated: 2024-05-21. Review status: criteria provided, single submitter. Criteria: Invitae Variant Classification Sherloc (09022015). Collection method: clinical testing. Allele origin: germline.
Comment: This sequence change replaces serine, which is neutral and polar, with asparagine, which is neutral and polar, at codon 2790 of the KMT2A protein (p.Ser2790Asn). This variant is not present in population databases (gnomAD no frequency). This variant has not been reported in the literature in individuals affected with KMT2A-related conditions. Advanced modeling of protein sequence and biophysical properties (such as structural, functional, and spatial information, amino acid conservation, physicochemical variation, residue mobility, and thermodynamic stability) performed at Invitae indicates that this missense variant is not expected to disrupt KMT2A protein function with a negative predictive value of 95%. In summary, the available evidence is currently insufficient to determine the role of this variant in disease. Therefore, it has been classified as a Variant of Uncertain Significance.

NM_001197104.2(KMT2A):c.8369G>A (p.Ser2790Asn)

Gene: KMT2A (lysine methyltransferase 2A; plus strand). Cytogenetic location: 11q23.3.
Variant type: single nucleotide variant.
Coding change: c.8369G>A on transcript NM_001197104.2 (MANE Select); coding-DNA position 8369, G replaced by A.
Protein change: p.Ser2790Asn; replaces serine 2790 with asparagine.
Molecular consequence: missense variant.
Genome position (GRCh38, 1-based): chr11:118,504,261, G>A. VCF-style: chr11-118504261-G-A. GRCh37 (hg19) VCF-style: chr11-118374976-G-A.
Other names: c.8459G>A, p.Ser2820Asn (NM_001412597.1); c.8360G>A, p.Ser2787Asn (NM_005933.4); short protein forms S2820N, S2790N, S2787N.
Identifiers: ClinVar variation 2915828 (VCV002915828.3), dbSNP rs901652354, ClinGen allele CA229528913.